The following is an entry in ClinVar:

NM_001271.4(CHD2):c.2699G>T (p.Arg900Leu)

Gene: CHD2 (chromodomain helicase DNA binding protein 2; plus strand). Cytogenetic location: 15q26.1.
Variant type: single nucleotide variant.
Coding change: c.2699G>T on transcript NM_001271.4 (MANE Select); coding-DNA position 2699, G replaced by T.
Protein change: p.Arg900Leu; replaces arginine 900 with leucine.
Molecular consequence: missense variant.
Genome position (GRCh38, 1-based): chr15:92,978,355, G>T. VCF-style: chr15-92978355-G-T. GRCh37 (hg19) VCF-style: chr15-93521585-G-T.
Other names: short protein forms R900L.
Identifiers: ClinVar variation 1498084 (VCV001498084.6), dbSNP rs1567149946, ClinGen allele CA393893920.

ClinVar aggregate classification (germline): Likely pathogenic (1 of 4 stars; one submission).

Conditions:
Developmental and epileptic encephalopathy 94 (DEE94). Also called: Epileptic encephalopathy, childhood-onset; CHD2-Related Neurodevelopmental Disorders. Identifiers: Orphanet 1942, Orphanet 2382, MedGen C3809278, MONDO:0014150, OMIM 615369.

Submission:

Labcorp Genetics (formerly Invitae), Labcorp
Classification: Likely pathogenic for Developmental and epileptic encephalopathy 94. Last evaluated: 2021-12-02. Review status: criteria provided, single submitter. Criteria: Invitae Variant Classification Sherloc (09022015). Collection method: clinical testing. Allele origin: germline.
Comment: In summary, the currently available evidence indicates that the variant is pathogenic, but additional data are needed to prove that conclusively. Therefore, this variant has been classified as Likely Pathogenic. This variant disrupts the p.Arg900 amino acid residue in CHD2. Other variant(s) that disrupt this residue have been determined to be pathogenic (PMID: 25326635, 30525188). This suggests that this residue is clinically significant, and that variants that disrupt this residue are likely to be disease-causing. Advanced modeling of protein sequence and biophysical properties (such as structural, functional, and spatial information, amino acid conservation, physicochemical variation, residue mobility, and thermodynamic stability) performed at Invitae indicates that this missense variant is expected to disrupt CHD2 protein function. This variant has not been reported in the literature in individuals affected with CHD2-related conditions. This variant is not present in population databases (gnomAD no frequency). This sequence change replaces arginine, which is basic and polar, with leucine, which is neutral and non-polar, at codon 900 of the CHD2 protein (p.Arg900Leu).

Literature cited by the submitters: PubMed 25326635; PubMed 30525188.